The following is an entry in ClinVar:

ClinVar aggregate classification (germline): Likely pathogenic (1 of 4 stars; one submission).

Allele frequency attached by ClinVar (database versions not stated): TOPMed below 0.00001.

Submission:

GeneDx
Classification: Likely pathogenic. Last evaluated: 2020-01-30. Review status: criteria provided, single submitter. Criteria: GeneDx Variant Classification Process June 2021. Collection method: clinical testing. Allele origin: germline. Affected: yes.
Comment: Frameshift variant in the C-terminus predicted to result in protein truncation, as the last 248 amino acids are lost and replaced with 141 incorrect amino acids (Stenson et al., 2014); Not observed in large population cohorts (Lek et al., 2016); Has not been previously published as pathogenic or benign to our knowledge

NM_001009944.3(PKD1):c.12165del (p.Trp4056fs)

Gene: PKD1 (polycystin 1, transient receptor potential channel interacting; minus strand). Cytogenetic location: 16p13.3.
Variant type: Deletion.
Coding change: c.12165del on transcript NM_001009944.3 (MANE Select); coding-DNA position 12165, one base deleted (C; older notation c.12165delC).
Protein change: p.Trp4056fs; shifts the reading frame from tryptophan 4056.
Molecular consequence: frameshift variant.
Genome position (GRCh38, 1-based): chr16:2,090,564, G deleted on the plus strand (C on the coding strand, the reverse complement: PKD1 is on the minus strand). VCF-style (leftmost placement, unchanged base first): chr16-2090563-AG-A. GRCh37 (hg19) VCF-style: chr16-2140564-AG-A.
Other names: c.12162del, p.Trp4055fs (NM_000296.4); c.12165delC (NM_001009944.2); short protein forms W4055fs, W4056fs.
Identifiers: ClinVar variation 817858 (VCV000817858.2), dbSNP rs1596474136, ClinGen allele CA915948976.